The following is an entry in ClinVar:

ClinVar aggregate classification (germline): Uncertain significance (1 of 4 stars; one submission).

Submission:

Labcorp Genetics (formerly Invitae), Labcorp
Classification: Uncertain significance. Last evaluated: 2022-05-28. Review status: criteria provided, single submitter. Criteria: Invitae Variant Classification Sherloc (09022015). Collection method: clinical testing. Allele origin: germline.
Comment: In summary, the available evidence is currently insufficient to determine the role of this variant in disease. Therefore, it has been classified as a Variant of Uncertain Significance. Algorithms developed to predict the effect of sequence changes on RNA splicing suggest that this variant may disrupt the consensus splice site. This sequence change affects codon 266 of the DDX58 mRNA. It is a 'silent' change, meaning that it does not change the encoded amino acid sequence of the DDX58 protein. It affects a nucleotide within the consensus splice site. This variant is not present in population databases (gnomAD no frequency). This variant has not been reported in the literature in individuals affected with DDX58-related conditions.

NM_014314.4(RIGI):c.798A>T (p.Thr266=)

Gene: RIGI (RNA sensor RIG-I; minus strand). Cytogenetic location: 9p21.1.
Variant type: single nucleotide variant.
Coding change: c.798A>T on transcript NM_014314.4 (MANE Select); coding-DNA position 798, A replaced by T.
Protein change: p.Thr266=; no amino-acid change (threonine 266 retained).
Molecular consequence: synonymous variant.
Genome position (GRCh38, 1-based): chr9:32,489,345, T>A on the plus strand (A>T on the coding strand, the complement: RIGI is on the minus strand). VCF-style: chr9-32489345-T-A. GRCh37 (hg19) VCF-style: chr9-32489343-T-A.
Other names: c.798A>T, p.Thr266= (NM_001385907.1, NM_001385909.1); c.357A>T, p.Thr119= (NM_001385910.1); c.189A>T, p.Thr63= (NM_001385912.1); c.783A>T, p.Thr261= (NM_001385913.1); c.354A>T, p.Thr118= (NM_001385914.1).
Identifiers: ClinVar variation 1999968 (VCV001999968.4), dbSNP rs2489333946, ClinGen allele CA464293389.